The following is an entry in ClinVar:

NM_001374504.1(TMPRSS6):c.6C>T (p.Pro2=)

Gene: TMPRSS6 (transmembrane serine protease 6; minus strand). Cytogenetic location: 22q12.3.
Variant type: single nucleotide variant.
Coding change: c.6C>T on transcript NM_001374504.1 (MANE Select); coding-DNA position 6, C replaced by T.
Protein change: p.Pro2=; no amino-acid change (proline 2 retained).
Molecular consequence: synonymous variant.
Genome position (GRCh38, 1-based): chr22:37,103,412, G>A on the plus strand (C>T on the coding strand, the complement: TMPRSS6 is on the minus strand). VCF-style: chr22-37103412-G-A. GRCh37 (hg19) VCF-style: chr22-37499452-G-A.
Other names: p.Pro11=; c.6C>T, p.Pro2= (NM_001289000.2, NM_001289001.2, NM_153609.4); c.33C>T (NM_153609.3).
Identifiers: ClinVar variation 3025756 (VCV003025756.23), dbSNP rs143819129, ClinGen allele CA10216236.

ClinVar aggregate classification (germline): Likely benign. Review status: criteria provided, multiple submitters, no conflicts (2 of 4 stars). 2 submissions from 2 submitters: Likely benign (2). Last evaluated 2025-02-19.

Allele frequency attached by ClinVar (database versions not stated): TOPMed 0.00003; gnomAD 0.00006; ESP Exome Variant Server 0.00008; 1000 Genomes Project 30x 0.00016; 1000 Genomes Project 0.00020.
gnomAD v4.1: 54 of 1,614,194 alleles (0.0033%); highest among the groups gnomAD compares: Middle Eastern, 0.033%; no homozygotes.

Submissions (2):

Mayo Clinic Laboratories, Mayo Clinic
Classification: Likely benign. Last evaluated: 2025-02-19. Review status: criteria provided, single submitter. Criteria: ACMG Guidelines, 2015. Collection method: clinical testing. Allele origin: germline. Observed: 1 variant allele.
Comment: BP4, BP7, PM2_supporting

CeGaT Center for Human Genetics Tuebingen
Classification: Likely benign. Last evaluated: 2024-02-01. Review status: criteria provided, single submitter. Criteria: CeGaT Center For Human Genetics Tuebingen Variant Classification Criteria Version 2. Collection method: clinical testing. Allele origin: germline. Affected: yes. Observed: 1 variant allele.
Comment: TMPRSS6: BP4, BP7